The following is an entry in ClinVar:

ClinVar aggregate classification (germline): Uncertain significance (1 of 4 stars; one submission).

Allele frequency attached by ClinVar (database versions not stated): gnomAD exomes below 0.00001.
gnomAD v4.1: 1 of 1,610,724 alleles (0.000062%); highest among the groups gnomAD compares: Non-Finnish European, 0.000085%; no homozygotes.

Submission:

Labcorp Genetics (formerly Invitae), Labcorp
Classification: Uncertain significance. Last evaluated: 2022-07-23. Review status: criteria provided, single submitter. Criteria: Invitae Variant Classification Sherloc (09022015). Collection method: clinical testing. Allele origin: germline.
Comment: This variant has not been reported in the literature in individuals affected with SPEG-related conditions. In summary, the available evidence is currently insufficient to determine the role of this variant in disease. Therefore, it has been classified as a Variant of Uncertain Significance. Algorithms developed to predict the effect of missense changes on protein structure and function are either unavailable or do not agree on the potential impact of this missense change (SIFT: "Deleterious"; PolyPhen-2: "Benign"; Align-GVGD: "Class C0"). This variant is not present in population databases (gnomAD no frequency). This sequence change replaces histidine, which is basic and polar, with tyrosine, which is neutral and polar, at codon 2614 of the SPEG protein (p.His2614Tyr).

NM_005876.5(SPEG):c.7840C>T (p.His2614Tyr)

Genes: ASIC4-AS1 (ASIC4 antisense RNA 1; minus strand), SPEG (striated muscle enriched protein kinase; plus strand). Cytogenetic location: 2q35.
Variant type: single nucleotide variant.
Coding change: c.7840C>T on transcript NM_005876.5 (MANE Select); coding-DNA position 7840, C replaced by T.
Protein change: p.His2614Tyr; replaces histidine 2614 with tyrosine.
Molecular consequence: missense variant.
Genome position (GRCh38, 1-based): chr2:219,488,292, C>T. VCF-style: chr2-219488292-C-T. GRCh37 (hg19) VCF-style: chr2-220353014-C-T.
Other names: short protein forms H2614Y.
Identifiers: ClinVar variation 1713406 (VCV001713406.5), dbSNP rs2545992634, ClinGen allele CA350706874.